The following is an entry in ClinVar:

ClinVar aggregate classification (germline): Uncertain significance (1 of 4 stars; one submission).

gnomAD v4.1: 1 of 1,614,104 alleles (0.000062%); highest among the groups gnomAD compares: Non-Finnish European, 0.000085%; no homozygotes.

Submission:

CeGaT Center for Human Genetics Tuebingen
Classification: Uncertain significance. Last evaluated: 2026-08-01. Review status: criteria provided, single submitter. Criteria: CeGaT Center For Human Genetics Tuebingen Variant Classification Criteria Version 2. Collection method: clinical testing. Allele origin: germline. Affected: yes. Observed: 1 variant allele.
Comment: DEAF1: PM2, BP4

NM_021008.4(DEAF1):c.982A>G (p.Thr328Ala)

Gene: DEAF1 (DEAF1 transcription factor; minus strand). Cytogenetic location: 11p15.5.
Variant type: single nucleotide variant.
Coding change: c.982A>G on transcript NM_021008.4 (MANE Select); coding-DNA position 982, A replaced by G.
Protein change: p.Thr328Ala; replaces threonine 328 with alanine.
Molecular consequence: missense variant. On other transcripts: intron variant (1).
Genome position (GRCh38, 1-based): chr11:680,978, T>C on the plus strand (A>G on the coding strand, the complement: DEAF1 is on the minus strand). VCF-style: chr11-680978-T-C. GRCh37 (hg19) VCF-style: chr11-680978-T-C.
Other names: c.256A>G, p.Thr86Ala (NM_001367390.1, NM_001440885.1, NM_001440886.1 and 1 more transcripts); c.982A>G, p.Thr328Ala (NM_001440883.1, NM_001440884.1); c.731-1162A>G (NM_001293634.2); short protein forms T328A, T86A.
Identifiers: ClinVar variation 5039849 (VCV005039849.1).